The following is an entry in ClinVar:

NM_152564.5(VPS13B):c.6789A>T (p.Glu2263Asp)

Gene: VPS13B (vacuolar protein sorting 13 homolog B; plus strand). Cytogenetic location: 8q22.2.
Variant type: single nucleotide variant.
Coding change: c.6789A>T on transcript NM_152564.5 (MANE Select); coding-DNA position 6789, A replaced by T.
Protein change: p.Glu2263Asp; replaces glutamic acid 2263 with aspartic acid.
Molecular consequence: missense variant.
Genome position (GRCh38, 1-based): chr8:99,720,476, A>T. VCF-style: chr8-99720476-A-T. GRCh37 (hg19) VCF-style: chr8-100732704-A-T.
Other names: c.6864A>T, p.Glu2288Asp (NM_017890.5); short protein forms E2263D, E2288D.
Identifiers: ClinVar variation 4998746 (VCV004998746.1).

ClinVar aggregate classification (germline): Uncertain significance (1 of 4 stars; one submission).

Conditions:
VPS13B-related disorder. Also called: VPS13B-related condition.

Submission:

PreventionGenetics, part of Exact Sciences
Classification: Uncertain significance for VPS13B-related condition. Last evaluated: 2025-05-28. Review status: criteria provided, single submitter. Criteria: ACMG Guidelines, 2015. Collection method: clinical testing. Allele origin: germline.
Comment: The VPS13B c.6789A>T variant is predicted to result in the amino acid substitution p.Glu2263Asp. To our knowledge, this variant has not been reported in the literature or in a large population database (gnomAD), indicating this variant is rare. At this time, the clinical significance of this variant is uncertain due to the absence of conclusive functional and genetic evidence.